The following is an entry in ClinVar:

ClinVar aggregate classification (germline): Uncertain significance. Review status: criteria provided, multiple submitters, no conflicts (2 of 4 stars). 2 submissions from 2 submitters: Uncertain significance (2). Last evaluated 2025-12-08.

Allele frequency attached by ClinVar (database versions not stated): gnomAD exomes below 0.00001; gnomAD 0.00001; TOPMed 0.00001.
gnomAD v4.1: 7 of 1,612,952 alleles (0.00043%); highest among the groups gnomAD compares: Non-Finnish European, 0.00051%; no homozygotes.

Submissions (2):

Ambry Genetics
Classification: Uncertain significance. Last evaluated: 2025-12-08. Review status: criteria provided, single submitter. Criteria: Ambry Variant Classification Scheme 2023. Collection method: clinical testing. Allele origin: germline.

CeGaT Center for Human Genetics Tuebingen
Classification: Uncertain significance. Last evaluated: 2022-08-01. Review status: criteria provided, single submitter. Criteria: CeGaT Center For Human Genetics Tuebingen Variant Classification Criteria Version 2. Collection method: clinical testing. Allele origin: germline. Affected: yes. Observed: 1 variant allele.
Comment: CACNA1B: PM2, PP3

NM_000718.4(CACNA1B):c.3518T>C (p.Val1173Ala)

Gene: CACNA1B (calcium voltage-gated channel subunit alpha1 B; plus strand). Cytogenetic location: 9q34.3.
Variant type: single nucleotide variant.
Coding change: c.3518T>C on transcript NM_000718.4 (MANE Select); coding-DNA position 3518, T replaced by C.
Protein change: p.Val1173Ala; replaces valine 1173 with alanine.
Molecular consequence: missense variant.
Genome position (GRCh38, 1-based): chr9:138,047,008, T>C. VCF-style: chr9-138047008-T-C. GRCh37 (hg19) VCF-style: chr9-140941460-T-C.
Other names: c.3518T>C (NM_000718.3); c.3518T>C, p.Val1173Ala (NM_001243812.2); short protein forms V1173A.
Identifiers: ClinVar variation 1711699 (VCV001711699.30), dbSNP rs1271067606, ClinGen allele CA375811741.